The following is an entry in ClinVar:

NM_020810.3(TRMT5):c.231T>C (p.Ser77=)

Gene: TRMT5 (tRNA methyltransferase 5; minus strand). Cytogenetic location: 14q23.1.
Variant type: single nucleotide variant.
Coding change: c.231T>C on transcript NM_020810.3 (MANE Select); coding-DNA position 231, T replaced by C.
Protein change: p.Ser77=; no amino-acid change (serine 77 retained).
Molecular consequence: synonymous variant.
Genome position (GRCh38, 1-based): chr14:60,979,667, A>G on the plus strand (T>C on the coding strand, the complement: TRMT5 is on the minus strand). VCF-style: chr14-60979667-A-G. GRCh37 (hg19) VCF-style: chr14-61446385-A-G.
Other names: c.315T>C, p.Ser105= (NM_001350253.1); c.312T>C, p.Ser104= (NM_001350254.1).
Identifiers: ClinVar variation 787945 (VCV000787945.14), dbSNP rs114724212, ClinGen allele CA7213955.
Genomic context (GRCh38, chr14:60,979,667, plus strand): 5'-TGGAATGTTGACTGTCTTTTTAAAAGCTGTTCTATCAAGTTTTGTCATGCCTCGGACATC[A>G]GAAGGTGGTGAAAACAATTCAGTCTCTCTCTCATGTGTTTCTGTTTCTGGCATGGTTGAG-3'
Protein context (NP_065861.3, residues 67-87): ERETELFSPP[Ser77=]DVRGMTKLDR

ClinVar aggregate classification (germline): Benign/Likely benign. Review status: criteria provided, multiple submitters, no conflicts (2 of 4 stars). 4 submissions from 4 submitters: Benign (1); Likely benign (2). 1 of the submissions does not count toward it. Last evaluated 2026-09-01.

Conditions:
TRMT5-related disorder. Also called: TRMT5-related condition.

Allele frequency attached by ClinVar (database versions not stated): gnomAD exomes 0.00017 and 0.00051; ExAC 0.00063; 1000 Genomes Project 30x 0.00125; 1000 Genomes Project 0.00140; gnomAD 0.00175 and 0.00185; TOPMed 0.00203; ESP Exome Variant Server 0.00208.
gnomAD v4.1: 541 of 1,614,134 alleles (0.034%); highest among the groups gnomAD compares: African/African-American, 0.61%; 2 homozygotes.

Submissions (4):

CeGaT Center for Human Genetics Tuebingen
Classification: Likely benign. Last evaluated: 2026-09-01. Review status: criteria provided, single submitter. Criteria: CeGaT Center For Human Genetics Tuebingen Variant Classification Criteria Version 2. Collection method: clinical testing. Allele origin: germline. Affected: yes. Observed: 1 variant allele.
Comment: TRMT5: BP4, BP7

Labcorp Genetics (formerly Invitae), Labcorp
Classification: Benign. Last evaluated: 2026-01-18. Review status: criteria provided, single submitter. Criteria: Invitae Variant Classification Sherloc (09022015). Collection method: clinical testing. Allele origin: germline.

Blueprint Genetics
Classification: Likely benign. Last evaluated: 2024-08-06. Review status: criteria provided, single submitter. Criteria: ACMG Guidelines, 2015. Collection method: clinical testing. Allele origin: germline.

PreventionGenetics, part of Exact Sciences
Classification: Likely benign for TRMT5-related condition. Last evaluated: 2019-09-25. Review status: no assertion criteria provided. Collection method: clinical testing. Allele origin: germline. Not counted in ClinVar's aggregate classification.
Comment: This variant is classified as likely benign based on ACMG/AMP sequence variant interpretation guidelines (Richards et al. 2015 PMID: 25741868, with internal and published modifications).